The following is an entry in ClinVar:

ClinVar aggregate classification (germline): Likely benign (1 of 4 stars; one submission).

gnomAD v4.1: 19 of 1,612,876 alleles (0.0012%); highest among the groups gnomAD compares: African/African-American, 0.0013%; no homozygotes.

Submission:

CeGaT Center for Human Genetics Tuebingen
Classification: Likely benign. Last evaluated: 2026-09-01. Review status: criteria provided, single submitter. Criteria: CeGaT Center For Human Genetics Tuebingen Variant Classification Criteria Version 2. Collection method: clinical testing. Allele origin: germline. Affected: yes. Observed: 1 variant allele.
Comment: TAF6: BP4, BP7

NM_139315.3(TAF6):c.1629G>A (p.Ser543=)

Genes: AP4M1 (adaptor related protein complex 4 subunit mu 1; plus strand), TAF6 (TATA-box binding protein associated factor 6; minus strand). Cytogenetic location: 7q22.1.
Variant type: single nucleotide variant.
Coding change: c.1629G>A on transcript NM_139315.3 (MANE Select); coding-DNA position 1629, G replaced by A.
Protein change: p.Ser543=; no amino-acid change (serine 543 retained).
Molecular consequence: synonymous variant. On other transcripts: non-coding transcript variant (2), 3 prime UTR variant (11).
Genome position (GRCh38, 1-based): chr7:100,107,953, C>T on the plus strand (G>A on the coding strand, the complement: TAF6 is on the minus strand). VCF-style: chr7-100107953-C-T. GRCh37 (hg19) VCF-style: chr7-99705576-C-T.
Other names: c.1740G>A, p.Ser580= (NM_001190415.2); c.1629G>A, p.Ser543= (NM_001364998.1, NM_001364999.1, NM_005641.4); c.1599G>A, p.Ser533= (NM_001365000.1, NM_001365001.1, NM_001365002.1 and 1 more transcripts); c.1767G>A, p.Ser589= (NM_001365004.1); c.*1071C>T (NM_001363671.2, NM_001438824.1, NM_001438825.1 and 8 more transcripts).
Identifiers: ClinVar variation 5041207 (VCV005041207.1).